The following is an entry in ClinVar:

NM_000065.5(C6):c.1579C>A (p.Pro527Thr)

Gene: C6 (complement C6; minus strand). Cytogenetic location: 5p13.1.
Variant type: single nucleotide variant.
Coding change: c.1579C>A on transcript NM_000065.5 (MANE Select); coding-DNA position 1579, C replaced by A.
Protein change: p.Pro527Thr; replaces proline 527 with threonine.
Molecular consequence: missense variant.
Genome position (GRCh38, 1-based): chr5:41,160,247, G>T on the plus strand (C>A on the coding strand, the complement: C6 is on the minus strand). VCF-style: chr5-41160247-G-T. GRCh37 (hg19) VCF-style: chr5-41160349-G-T.
Other names: c.1579C>A, p.Pro527Thr (NM_001115131.4); short protein forms P527T.
Identifiers: ClinVar variation 1503658 (VCV001503658.6), dbSNP rs1747351147, ClinGen allele CA359597813.

ClinVar aggregate classification (germline): Uncertain significance (1 of 4 stars; one submission).

Submission:

Labcorp Genetics (formerly Invitae), Labcorp
Classification: Uncertain significance. Last evaluated: 2021-11-14. Review status: criteria provided, single submitter. Criteria: Invitae Variant Classification Sherloc (09022015). Collection method: clinical testing. Allele origin: germline.
Comment: In summary, the available evidence is currently insufficient to determine the role of this variant in disease. Therefore, it has been classified as a Variant of Uncertain Significance. Algorithms developed to predict the effect of missense changes on protein structure and function are either unavailable or do not agree on the potential impact of this missense change (SIFT: "Deleterious"; PolyPhen-2: "Possibly Damaging"; Align-GVGD: "Class C0"). This variant has not been reported in the literature in individuals affected with C6-related conditions. This variant is not present in population databases (gnomAD no frequency). This sequence change replaces proline, which is neutral and non-polar, with threonine, which is neutral and polar, at codon 527 of the C6 protein (p.Pro527Thr).